The following is an entry in ClinVar:

ClinVar aggregate classification (germline): Uncertain significance. Review status: reviewed by expert panel (3 of 4 stars). 25 submissions from 25 submitters: Uncertain significance (1). 24 of the submissions do not count toward it. Last evaluated 2018-04-12.

Conditions:
BRCA1-related cancer predisposition. Identifiers: MedGen CN377757, MONDO:0700268.
Inherited breast cancer and ovarian cancer.
Familial cancer of breast. Also called: Hereditary breast cancer; hereditary breast carcinoma; BREAST CANCER, FAMILIAL. Identifiers: Orphanet 227535, MedGen C0346153, MONDO:0016419, OMIM 114480. Disease mechanism: loss of function.
Breast-ovarian cancer, familial, susceptibility to, 1 (BROVCA1). Also called: OVARIAN CANCER, SUSCEPTIBILITY TO; BRCA1 Hereditary Breast and Ovarian Cancer. Identifiers: Orphanet 145, MedGen C2676676, MONDO:0011450, OMIM 604370. Disease mechanism: loss of function.
Pancreatic cancer, susceptibility to, 4. Identifiers: Orphanet 1333, MedGen C3280442, MONDO:0013685, OMIM 614320.
Fanconi anemia, complementation group S (FANCS). Identifiers: MedGen C4554406, MONDO:0054748, OMIM 617883.
Inherited ovarian cancer (without breast cancer).
Breast and/or ovarian cancer. Identifiers: MedGen CN221562.
Hereditary cancer-predisposing syndrome. Also called: Tumor predisposition; Neoplastic Syndromes, Hereditary; Hereditary Cancer Syndrome; Hereditary neoplastic syndrome. Identifiers: Orphanet 140162, MedGen C0027672, MeSH D009386, MONDO:0015356.
Hereditary breast ovarian cancer syndrome. Also called: Hereditary breast and ovarian cancer syndrome (HBOC); Hereditary breast and ovarian cancer syndrome; Hereditary breast and ovarian cancer; Hereditary breast and/or ovarian cancer syndrome; Breast and ovarian cancer; BRCA1- and BRCA2-Associated Hereditary Breast and Ovarian Cancer. Identifiers: Orphanet 145, MedGen C0677776, MeSH D061325, MONDO:0003582. Disease mechanism: loss of function.

Allele frequency attached by ClinVar (database versions not stated): gnomAD exomes below 0.00001.
gnomAD v4.1: 3 of 1,613,964 alleles (0.00019%); highest among the groups gnomAD compares: Non-Finnish European, 0.00025%; no homozygotes.

Submissions 1 to 8 of 25:

Evidence-based Network for the Interpretation of Germline Mutant Alleles (ENIGMA)
Classification: Uncertain significance for Breast-ovarian cancer, familial, susceptibility to, 1. Last evaluated: 2018-04-12. Review status: reviewed by expert panel. Criteria: ENIGMA BRCA1/2 Classification Criteria (2017-06-29). Collection method: curation. Allele origin: germline. Study: ENIGMA.
Comment: Clinical data collected by the ENIGMA consortium demonstrates that the BRCA1 c.4096+3A>G variant may not exhibit the clinical characteristics of a standard high-risk pathogenic BRCA1 variant (Spurdle, unpublished data). This splice site variant has been proven to result in production of naturally occurring in-frame transcripts delta11q and delta11 (Wappenschmidt et al,. 2012 - PMID: 23239986). Since no clinically relevant domain has been described in BRCA1 exon 11 (ENIGMA rules), the splicing alteration is compatible with the clinical data, and supports Class-3 classification.

NHS Central & South Genomic Laboratory Hub
Classification: Uncertain significance for Inherited ovarian cancer (without breast cancer). Last evaluated: 2026-10-06. Review status: criteria provided, single submitter. Criteria: ACMG Guidelines, 2015. Collection method: clinical testing. Allele origin: germline. Affected: yes. Not counted in ClinVar's aggregate classification.

German Consortium for Hereditary Breast and Ovarian Cancer, University Hospital Cologne
Classification: Likely pathogenic, low penetrance for Hereditary breast ovarian cancer syndrome. Last evaluated: 2026-01-21. Review status: criteria provided, single submitter. Criteria: ClinGen BRCA1 V1.1.0. Collection method: curation. Allele origin: germline. Not counted in ClinVar's aggregate classification.
Comment: This classification follows the ClinGen ENIGMA BRCA1 v1.1.0 classification scheme; We chose these criteria: PS4 (strong pathogenic): Altersabhänige Penetranzen wurden durch ENIGMA berechnet und zeigen ein reduziertes Risiko im Vergleich zu BRCA1 PTVs (unpublished Data, siehe Tabelle unter Assays)., PM2 (supporting pathogenic): 3x het in GnomAD v4.1.0 Grpmax Filtering AF 0,0007% Absent from v3.1.2 non-cancer sowie v2.1.1 non-cancer, PP3 (supporting pathogenic): SpliceAI: 0.64

Labcorp Genetics (formerly Invitae), Labcorp
Classification: Uncertain significance for Hereditary breast ovarian cancer syndrome. Last evaluated: 2025-12-29. Review status: criteria provided, single submitter. Criteria: Invitae Variant Classification Sherloc (09022015). Collection method: clinical testing. Allele origin: germline. Not counted in ClinVar's aggregate classification.
Comment: This sequence change falls in intron 10 of the BRCA1 gene. It does not directly change the encoded amino acid sequence of the BRCA1 protein. It affects a nucleotide within the consensus splice site. This variant is not present in population databases (gnomAD no frequency). This variant has been observed in individual(s) with personal and/or family history of breast and/or ovarian cancer (PMID: 20104584, 23239986, 31683985, 31954625, 34981296, 37937776). It has also been observed to segregate with disease in related individuals. This variant has been observed to be homozygous, hemizygous or homoplasmic in an individual who did not have the expected clinical features for that genetic result (PMID: 28588830, 31683985). This variant is also known as IVS11+3A>G. ClinVar contains an entry for this variant (Variation ID: 37566). Variants that disrupt the consensus splice site are a relatively common cause of aberrant splicing (PMID: 17576681, 9536098). Studies have shown this variant is associated with skipping of part of exon 10 and skipping of exon 10, but one or more of the resulting mRNA isoform(s) may be naturally occurring (PMID: 8972225, 11359908, 11431698, 16943438, 23239986; internal data). In summary, the available evidence is currently insufficient to determine the role of this variant in disease. Therefore, it has been classified as a Variant of Uncertain Significance.

Ambry Genetics
Classification: Uncertain significance for Hereditary cancer-predisposing syndrome. Last evaluated: 2025-12-18. Review status: criteria provided, single submitter. Criteria: Ambry Variant Classification Scheme 2023. Collection method: clinical testing. Allele origin: germline. Not counted in ClinVar's aggregate classification.
Comment: The c.4096+3A>G intronic variant results from an A to G substitution 3 nucleotides after coding exon 9 in the BRCA1 gene. Studies from carrier blood lymphocytes have demonstrated that this alteration results in aberrant splicing leading to an increase in the amount of transcript lacking all of exon 9 (also known as &Delta;11) and another lacking most of the 3' end of exon 9 (also known as &Delta;11q and &Delta;11b) (Wappenschmidt B et al. PLoS ONE. 2012;7:e50800; Ambry internal data). Both of these alterations are in-frame losses and both have been reported as naturally occurring isoforms in blood and other tissues, including mammary gland (Colombo M et al. Hum. Mol. Genet. 2014 Jul;23:3666-80; Thakur S et al. Mol. Cell. Biol. 1997 Jan;17:444-52; Magdinier F et al. Oncogene. 1999 Jul;18:4039-43; Wilson CA et al. Oncogene. 1997 Jan;14:1-16). Functional studies have shown that the protein generated by the isoform lacking exon 9 is unable to form Rad51 foci and that the protein generated by both isoforms may also be mislocalized to the cytoplasm; however, not all studies agree on the latter point (Huber LJ et al. Mol. Cell. Biol. 2001 Jun;21:4005-15; Thakur S et al. Mol. Cell. Biol. 1997 Jan;17:444-52; Wilson CA et al. Oncogene. 1997 Jan;14:1-16). A homozygous knock-in mouse model of the isoform lacking exon 9 did not result in overt developmental defects; however, there were mammary gland abnormalities and spontaneous tumor formation (Kim SS et al. Mol. Cell. Biol. 2006 Sep;26:6983-92). This alteration has been reported in multiple cohorts of breast and ovarian cancer (Beissel JM et al. Gynecol Oncol Rep. 2014 Dec;10:25-7; Song H et al. Hum. Mol. Genet. 2014 Sep;23:4703-9; Borg A et al. Hum. Mutat. 2010 Mar;31:E1200-40; Machackova E et al. Klin Onkol. 2019;32:51-71; Arason A et al. Genes (Basel). 2019 11;10:); however, it was also identified in a homozygous state in an individual who was ascertained for but did not have Fanconi anemia (Byrjalsen A et al. Clin Case Rep. 2017 Jun;5:876-879). Of note, this alteration is also referred to as IVS11+3A>G in published literature. This nucleotide position is highly conserved in available vertebrate species. In silico splice site analysis predicts that this alteration will weaken the native splice donor site. Based on the available evidence, the clinical significance of this variant remains unclear.

Department of Clinical Genetics, Copenhagen University Hospital, Rigshospitalet
Classification: Uncertain significance for Familial cancer of breast. Last evaluated: 2025-09-11. Review status: criteria provided, single submitter. Criteria: ACMG Guidelines, 2015. Collection method: clinical testing. Allele origin: germline. Not counted in ClinVar's aggregate classification.
Comment: The following ACMG criteria has been used: PM2_SUP (absent in gnomad v.2.1.1 - non-cancer); PP3 (SpliceAI donor loss 0.64); BS2 (reported in homozygote state in healthy individual)

Cambridge Genomics Laboratory, East Genomic Laboratory Hub, NHS Genomic Medicine Service
Classification: Uncertain significance for Inherited breast cancer and ovarian cancer. Last evaluated: 2025-05-28. Review status: criteria provided, single submitter. Criteria: ACGS Best Practice Guidelines for Variant Classification in Rare Disease 2020. Collection method: clinical testing. Allele origin: germline. Affected: yes. Not counted in ClinVar's aggregate classification.
Comment: PVS1_Moderate,PS4,PM2_Supporting,BS2_Strong

Center for Genomic Medicine, Rigshospitalet, Copenhagen University Hospital
Classification: Uncertain significance. Last evaluated: 2025-03-04. Review status: criteria provided, single submitter. Criteria: ACMG Guidelines, 2015. Collection method: clinical testing. Allele origin: germline. Not counted in ClinVar's aggregate classification.

NM_007294.4(BRCA1):c.4096+3A>G

Genes: BRCA1 (BRCA1 DNA repair associated; minus strand), LOC126862571 (BRD4-independent group 4 enhancer GRCh37_chr17:41243136-41244335; plus strand). Cytogenetic location: 17q21.31.
Variant type: single nucleotide variant.
Coding change: c.4096+3A>G on transcript NM_007294.4 (MANE Select); 3 bases into the intron after coding-DNA position 4096, A replaced by G.
Molecular consequence: intron variant.
Genome position (GRCh38, 1-based): chr17:43,091,432, T>C on the plus strand (A>G on the coding strand, the complement: BRCA1 is on the minus strand). VCF-style: chr17-43091432-T-C. GRCh37 (hg19) VCF-style: chr17-41243449-T-C.
Other names: IVS11+3A>G; c.647-400A>G (NM_001408458.1, NM_001408469.1, NM_001408453.1 and 11 more transcripts); c.3208+3A>G (NM_001407967.1, NM_001407966.1); c.3715+3A>G (NM_001407959.1, NM_001407963.1, NM_001407960.1); c.3829+3A>G (NM_001407931.1, NM_001407932.1, NM_001407934.1 and 2 more transcripts); c.3952+3A>G (NM_001407747.1, NM_001407848.1, NM_001407839.1 and 20 more transcripts); c.3712+3A>G (NM_001407962.1); c.284-400A>G (NM_001408512.1); and 42 more.
Identifiers: ClinVar variation 37566 (VCV000037566.62), dbSNP rs80358015, ClinGen allele CA002619.